The following is an entry in ClinVar:

NM_133444.3(ZNF526):c.47C>G (p.Ser16Ter)

Gene: ZNF526 (zinc finger protein 526; plus strand). Cytogenetic location: 19q13.2.
Variant type: single nucleotide variant.
Coding change: c.47C>G on transcript NM_133444.3 (MANE Select); coding-DNA position 47, C replaced by G.
Protein change: p.Ser16Ter; replaces serine 16 with a stop codon.
Molecular consequence: nonsense.
Genome position (GRCh38, 1-based): chr19:42,224,450, C>G. VCF-style: chr19-42224450-C-G. GRCh37 (hg19) VCF-style: chr19-42728602-C-G.
Other names: c.47C>G, p.Ser16Ter (NM_001314033.3); short protein forms S16*.
Identifiers: ClinVar variation 1722900 (VCV001722900.2), dbSNP rs1394553795, ClinGen allele CA406075573.

ClinVar aggregate classification (germline): Uncertain significance (1 of 4 stars; one submission).

Allele frequency attached by ClinVar (database versions not stated): gnomAD 0.00001.
gnomAD v4.1: 1 of 1,614,054 alleles (0.000062%); highest among the groups gnomAD compares: Non-Finnish European, 0.000085%; no homozygotes.

Submission:

GeneDx
Classification: Uncertain significance. Last evaluated: 2022-05-02. Review status: criteria provided, single submitter. Criteria: GeneDx Variant Classification Process June 2021. Collection method: clinical testing. Allele origin: germline. Affected: yes.
Comment: Not observed at significant frequency in large population cohorts (gnomAD); Nonsense variant predicted to result in protein truncation as the last 655 amino acids are lost, although loss-of-function variants have not been reported downstream of this position in the protein; Has not been previously published as pathogenic or benign to our knowledge